The following is an entry in ClinVar:

ClinVar aggregate classification (germline): Uncertain significance (1 of 4 stars; one submission).

Conditions:
Hereditary cancer-predisposing syndrome. Also called: Neoplastic Syndromes, Hereditary; Tumor predisposition; Hereditary Cancer Syndrome; Hereditary neoplastic syndrome. Identifiers: Orphanet 140162, MedGen C0027672, MeSH D009386, MONDO:0015356.

Submission:

Ambry Genetics
Classification: Uncertain significance for Hereditary cancer-predisposing syndrome. Last evaluated: 2025-07-23. Review status: criteria provided, single submitter. Criteria: Ambry Variant Classification Scheme 2023. Collection method: clinical testing. Allele origin: germline.
Comment: The p.S238I variant (also known as c.713G>T), located in coding exon 7 of the PMS2 gene, results from a G to T substitution at nucleotide position 713. The serine at codon 238 is replaced by isoleucine, an amino acid with dissimilar properties. This amino acid position is highly conserved in available vertebrate species. In addition, the in silico prediction for this alteration is inconclusive. Based on the available evidence, the clinical significance of this variant remains unclear.

NM_000535.7(PMS2):c.713G>T (p.Ser238Ile)

Gene: PMS2 (PMS1 homolog 2, mismatch repair system component; minus strand). Cytogenetic location: 7p22.1.
Variant type: single nucleotide variant.
Coding change: c.713G>T on transcript NM_000535.7 (MANE Select); coding-DNA position 713, G replaced by T.
Protein change: p.Ser238Ile; replaces serine 238 with isoleucine.
Molecular consequence: missense variant. On other transcripts: 5 prime UTR variant (2), non-coding transcript variant (1).
Genome position (GRCh38, 1-based): chr7:5,997,416, C>A on the plus strand (G>T on the coding strand, the complement: PMS2 is on the minus strand). VCF-style: chr7-5997416-C-A. GRCh37 (hg19) VCF-style: chr7-6037047-C-A.
Other names: c.308G>T, p.Ser103Ile (NM_001018040.1, NM_001322003.2, NM_001322004.2 and 20 more transcripts); c.713G>T, p.Ser238Ile (NM_001322006.2, NM_001322014.2, NM_001406870.1 and 3 more transcripts); c.395G>T, p.Ser132Ile (NM_001322007.2, NM_001322008.2, NM_001406876.1 and 4 more transcripts); c.-221G>T (NM_001322011.2, NM_001322012.2); c.140G>T, p.Ser47Ile (NM_001322013.2, NM_001406909.1); c.404G>T, p.Ser135Ile (NM_001322015.2, NM_001406875.1, NM_001406877.1 and 6 more transcripts); c.899G>T, p.Ser300Ile (NM_001406866.1); c.737G>T, p.Ser246Ile (NM_001406868.1); and 4 more; short protein forms S182I, S246I, S103I, S135I, S300I, S67I, S202I, S47I.
Identifiers: ClinVar variation 1757349 (VCV001757349.3), dbSNP rs1060503111, ClinGen allele CA366743783.